The following is an entry in ClinVar:

ClinVar aggregate classification (germline): Uncertain significance (1 of 4 stars; one submission).

Conditions:
Neurofibromatosis, type 2 (SWNV). Also called: SCHWANNOMATOSIS, VESTIBULAR; BILATERAL ACOUSTIC NEUROFIBROMATOSIS; NF2-Related Schwannomatosis. Identifiers: Orphanet 637, MedGen C0027832, MONDO:0007039, OMIM 101000. Disease mechanism: loss of function.

Allele frequency attached by ClinVar (database versions not stated): TOPMed below 0.00001.

Submission:

Labcorp Genetics (formerly Invitae), Labcorp
Classification: Uncertain significance for Neurofibromatosis, type 2. Last evaluated: 2021-10-13. Review status: criteria provided, single submitter. Criteria: Invitae Variant Classification Sherloc (09022015). Collection method: clinical testing. Allele origin: germline.
Comment: This sequence change replaces isoleucine with asparagine at codon 280 of the NF2 protein (p.Ile280Asn). The isoleucine residue is moderately conserved and there is a large physicochemical difference between isoleucine and asparagine. This variant is not present in population databases (ExAC no frequency). This variant has not been reported in the literature in individuals affected with NF2-related conditions. Algorithms developed to predict the effect of missense changes on protein structure and function are either unavailable or do not agree on the potential impact of this missense change (SIFT: "Deleterious"; PolyPhen-2: "Benign"; Align-GVGD: "Class C0"). In summary, the available evidence is currently insufficient to determine the role of this variant in disease. Therefore, it has been classified as a Variant of Uncertain Significance.

NM_000268.4(NF2):c.839T>A (p.Ile280Asn)

Gene: NF2 (NF2, moesin-ezrin-radixin like (MERLIN) tumor suppressor; plus strand). Cytogenetic location: 22q12.2.
Variant type: single nucleotide variant.
Coding change: c.839T>A on transcript NM_000268.4 (MANE Select); coding-DNA position 839, T replaced by A.
Protein change: p.Ile280Asn; replaces isoleucine 280 with asparagine.
Molecular consequence: missense variant. On other transcripts: non-coding transcript variant (1), intron variant (1).
Genome position (GRCh38, 1-based): chr22:29,665,018, T>A. VCF-style: chr22-29665018-T-A. GRCh37 (hg19) VCF-style: chr22-30061007-T-A.
Other names: c.839T>A, p.Ile280Asn (NM_016418.5, NM_181825.3, NM_181832.3); c.713T>A, p.Ile238Asn (NM_181828.3); c.716T>A, p.Ile239Asn (NM_181829.3); c.590T>A, p.Ile197Asn (NM_181830.3, NM_181831.3); c.447+22733T>A (NM_181833.3); short protein forms I239N, I197N, I238N, I280N.
Identifiers: ClinVar variation 1525216 (VCV001525216.6), dbSNP rs2066579439, ClinGen allele CA411144588.